The following is an entry in ClinVar:

NM_153676.4(USH1C):c.1516A>G (p.Asn506Asp)

Gene: USH1C (USH1 protein network component harmonin; minus strand). Cytogenetic location: 11p15.1.
Variant type: single nucleotide variant.
Coding change: c.1516A>G on transcript NM_153676.4 (MANE Select); coding-DNA position 1516, A replaced by G.
Protein change: p.Asn506Asp; replaces asparagine 506 with aspartic acid.
Molecular consequence: missense variant. On other transcripts: intron variant (2).
Genome position (GRCh38, 1-based): chr11:17,510,419, T>C on the plus strand (A>G on the coding strand, the complement: USH1C is on the minus strand). VCF-style: chr11-17510419-T-C. GRCh37 (hg19) VCF-style: chr11-17531966-T-C.
Other names: c.1227+6982A>G (NM_001297764.2); c.1284+6982A>G (NM_005709.4); short protein forms N506D.
Identifiers: ClinVar variation 517517 (VCV000517517.8), dbSNP rs868001349, ClinGen allele CA218449329.

ClinVar aggregate classification (germline): Uncertain significance. Review status: criteria provided, multiple submitters, no conflicts (2 of 4 stars). 2 submissions from 2 submitters: Uncertain significance (2). Last evaluated 2022-06-30.

Conditions:
Usher syndrome type 1C. Also called: USHER SYNDROME, TYPE I, ACADIAN VARIETY. Identifiers: Orphanet 231169, Orphanet 886, MedGen C1848604, MONDO:0010171, OMIM 276904.

Allele frequency attached by ClinVar (database versions not stated): gnomAD 0.00001.
gnomAD v4.1: 6 of 1,611,828 alleles (0.00037%); highest among the groups gnomAD compares: Middle Eastern, 0.06%; no homozygotes.

Submissions (2):

Department of Genetics, Sultan Qaboos University Hospital
Classification: Uncertain significance for Usher syndrome, type 1C. Last evaluated: 2022-06-30. Review status: criteria provided, single submitter. Criteria: ACMG Guidelines, 2015. Collection method: clinical testing. Allele origin: germline.

Laboratory for Molecular Medicine, Mass General Brigham Personalized Medicine
Classification: Uncertain significance. Last evaluated: 2017-08-10. Review status: criteria provided, single submitter. Criteria: LMM Criteria. Collection method: clinical testing. Allele origin: germline. Observed: 1 variant allele.
Comment: The p.Asn506Asp variant in USH1C has not been previously reported in individuals with hearing loss or Usher syndrome, or in large population studies. Computatio nal prediction tools and conservation analysis do not provide strong support for or against an impact to the protein. In summary, the clinical significance of t he p.Asn506Asp variant is uncertain.